The following is an entry in ClinVar:

NM_152564.5(VPS13B):c.10634T>A (p.Met3545Lys)

Gene: VPS13B (vacuolar protein sorting 13 homolog B; plus strand). Cytogenetic location: 8q22.2.
Variant type: single nucleotide variant.
Coding change: c.10634T>A on transcript NM_152564.5 (MANE Select); coding-DNA position 10634, T replaced by A.
Protein change: p.Met3545Lys; replaces methionine 3545 with lysine.
Molecular consequence: missense variant.
Genome position (GRCh38, 1-based): chr8:99,854,023, T>A. VCF-style: chr8-99854023-T-A. GRCh37 (hg19) VCF-style: chr8-100866251-T-A.
Other names: c.10709T>A, p.Met3570Lys (NM_017890.5); c.10709T>A (NM_017890.3); short protein forms M3570K, M3545K.
Identifiers: ClinVar variation 1351421 (VCV001351421.6), dbSNP rs1816426749, ClinGen allele CA371784649.

ClinVar aggregate classification (germline): Uncertain significance. Review status: criteria provided, multiple submitters, no conflicts (2 of 4 stars). 2 submissions from 2 submitters: Uncertain significance (2). Last evaluated 2023-12-20.

Conditions:
Inborn genetic diseases. Identifiers: MedGen C0950123, MeSH D030342.
Cohen syndrome (COH1). Also called: Cutis verticis gyrata, retinitis pigmentosa, and sensorineural deafness; PEPPER SYNDROME. Identifiers: Orphanet 193, MedGen C0265223, MONDO:0008999, OMIM 216550.

Allele frequency attached by ClinVar (database versions not stated): gnomAD exomes below 0.00001.
gnomAD v4.1: 2 of 1,614,232 alleles (0.00012%); highest among the groups gnomAD compares: Non-Finnish European, 0.00017%; no homozygotes.

Submissions (2):

Ambry Genetics
Classification: Uncertain significance for Inborn genetic diseases. Last evaluated: 2023-12-20. Review status: criteria provided, single submitter. Criteria: Ambry Variant Classification Scheme 2023. Collection method: clinical testing. Allele origin: germline.

Labcorp Genetics (formerly Invitae), Labcorp
Classification: Uncertain significance for Cohen syndrome. Last evaluated: 2022-09-01. Review status: criteria provided, single submitter. Criteria: Invitae Variant Classification Sherloc (09022015). Collection method: clinical testing. Allele origin: germline.
Comment: This sequence change replaces methionine, which is neutral and non-polar, with lysine, which is basic and polar, at codon 3570 of the VPS13B protein (p.Met3570Lys). This variant is not present in population databases (gnomAD no frequency). This variant has not been reported in the literature in individuals affected with VPS13B-related conditions. ClinVar contains an entry for this variant (Variation ID: 1351421). Algorithms developed to predict the effect of missense changes on protein structure and function are either unavailable or do not agree on the potential impact of this missense change (SIFT: "Not Available"; PolyPhen-2: "Benign"; Align-GVGD: "Not Available"). In summary, the available evidence is currently insufficient to determine the role of this variant in disease. Therefore, it has been classified as a Variant of Uncertain Significance.